The following is an entry in ClinVar:

ClinVar aggregate classification (germline): Conflicting classifications of pathogenicity. Review status: criteria provided, conflicting classifications (1 of 4 stars). 3 submissions from 3 submitters: Uncertain significance (2); Likely benign (1). Last evaluated 2024-07-09.

Conditions:
Retinal dystrophy. Also called: Inherited retinal dystrophy. Identifiers: Orphanet 71862, MedGen C0854723, MeSH D058499, MONDO:0019118, HP:0000556.

Allele frequency attached by ClinVar (database versions not stated): gnomAD 0.00001; TOPMed 0.00001; ExAC 0.00002; gnomAD exomes 0.00002 and 0.00004.
gnomAD v4.1: 30 of 1,612,586 alleles (0.0019%); highest among the groups gnomAD compares: East Asian, 0.0022%; no homozygotes.

Submissions (3):

Blueprint Genetics
Classification: Likely benign. Last evaluated: 2024-07-09. Review status: criteria provided, single submitter. Criteria: ACMG Guidelines, 2015. Collection method: clinical testing. Allele origin: germline.

Dept Of Ophthalmology, Nagoya University
Classification: Uncertain significance for Retinal dystrophy. Last evaluated: 2023-10-01. Review status: criteria provided, single submitter. Criteria: Submitter's publication. Collection method: research. Allele origin: germline. Affected: yes.

Labcorp Genetics (formerly Invitae), Labcorp
Classification: Uncertain significance. Last evaluated: 2022-07-02. Review status: criteria provided, single submitter. Criteria: Invitae Variant Classification Sherloc (09022015). Collection method: clinical testing. Allele origin: germline.
Comment: In summary, the available evidence is currently insufficient to determine the role of this variant in disease. Therefore, it has been classified as a Variant of Uncertain Significance. Algorithms developed to predict the effect of missense changes on protein structure and function (SIFT, PolyPhen-2, Align-GVGD) all suggest that this variant is likely to be tolerated. ClinVar contains an entry for this variant (Variation ID: 1497713). This variant has not been reported in the literature in individuals affected with PRPF31-related conditions. This variant is present in population databases (rs759141690, gnomAD 0.02%). This sequence change replaces arginine, which is basic and polar, with histidine, which is basic and polar, at codon 91 of the PRPF31 protein (p.Arg91His).

NM_015629.4(PRPF31):c.272G>A (p.Arg91His)

Genes: PRPF31 (pre-mRNA processing factor 31; plus strand), PRPF31-AS1 (PRPF31 antisense RNA 1; minus strand). Cytogenetic location: 19q13.42.
Variant type: single nucleotide variant.
Coding change: c.272G>A on transcript NM_015629.4 (MANE Select); coding-DNA position 272, G replaced by A.
Protein change: p.Arg91His; replaces arginine 91 with histidine.
Molecular consequence: missense variant.
Genome position (GRCh38, 1-based): chr19:54,121,893, G>A. VCF-style: chr19-54121893-G-A. GRCh37 (hg19) VCF-style: chr19-54625272-G-A.
Other names: short protein forms R91H.
Identifiers: ClinVar variation 1497713 (VCV001497713.10), dbSNP rs759141690, ClinGen allele CA309323463.